The following is an entry in ClinVar:

ClinVar aggregate classification (germline): Pathogenic (1 of 4 stars; one submission).

Conditions:
Hereditary hemochromatosis (HFE). Identifiers: MedGen C0392514, MONDO:0006507. Disease mechanism: loss of function.

Submission:

Labcorp Genetics (formerly Invitae), Labcorp
Classification: Pathogenic for Hereditary hemochromatosis. Last evaluated: 2024-02-19. Review status: criteria provided, single submitter. Criteria: Invitae Variant Classification Sherloc (09022015). Collection method: clinical testing. Allele origin: germline.
Comment: This sequence change creates a premature translational stop signal (p.Leu62Hisfs*49) in the TFR2 gene. It is expected to result in an absent or disrupted protein product. Loss-of-function variants in TFR2 are known to be pathogenic (PMID: 23600741, 26029709). This variant is not present in population databases (gnomAD no frequency). This variant has not been reported in the literature in individuals affected with TFR2-related conditions. For these reasons, this variant has been classified as Pathogenic.

Literature cited by the submitters: PubMed 23600741; PubMed 26029709.

NM_003227.4(TFR2):c.183_211del (p.Leu62fs)

Gene: TFR2 (transferrin receptor 2; minus strand). Cytogenetic location: 7q22.1.
Variant type: Deletion.
Coding change: c.183_211del on transcript NM_003227.4 (MANE Select); coding-DNA positions 183 to 211, 29 bases deleted (CCTGGGCTCTAGACCCAGGCAGCCAAACC).
Protein change: p.Leu62fs; shifts the reading frame from leucine 62.
Molecular consequence: frameshift variant.
Genome position (GRCh38, 1-based): chr7:100,641,051-100,641,079, GGTTTGGCTGCCTGGGTCTAGAGCCCAGG deleted on the plus strand (CCTGGGCTCTAGACCCAGGCAGCCAAACC on the coding strand, the reverse complement: TFR2 is on the minus strand); deleting any 29 consecutive bases within chr7:100,641,051-100,641,081 gives the same sequence; the c. name uses the placement nearest the transcript's 3' end. VCF-style (leftmost placement, unchanged base first): chr7-100641050-AGGTTTGGCTGCCTGGGTCTAGAGCCCAGG-A. GRCh37 (hg19) VCF-style: chr7-100238673-AGGTTTGGCTGCCTGGGTCTAGAGCCCAGG-A.
Other names: short protein forms L62fs.
Identifiers: ClinVar variation 2853994 (VCV002853994.3), dbSNP rs2486147588, ClinGen allele CA2739279334.